The following is an entry in ClinVar:

ClinVar aggregate classification (germline): Likely pathogenic. Review status: criteria provided, multiple submitters, no conflicts (2 of 4 stars). 2 submissions from 2 submitters: Likely pathogenic (2). Last evaluated 2025-03-31.

Conditions:
Bloom syndrome (BLM). Also called: Bloom-Torre-Machacek syndrome. Identifiers: Orphanet 125, MedGen C0005859, MONDO:0008876, OMIM 210900.

Allele frequency attached by ClinVar (database versions not stated): gnomAD exomes below 0.00001 and 0.00001; TOPMed below 0.00001; gnomAD 0.00001; ExAC 0.00002; ESP Exome Variant Server 0.00008.

Submissions (2):

Natera, Inc.
Classification: Likely pathogenic for Bloom syndrome. Last evaluated: 2025-03-31. Review status: criteria provided, single submitter. Criteria: Natera Variant Classification Schema (03/2026). Collection method: clinical testing. Allele origin: germline.
Comment: The c.3013_3019+4del variant in BLM is a frameshift variant predicted to shift the reading frame and introduce a stop codon. This variant is expected to result in nonsense mediated decay, truncation, or a dysfunctional protein product. This variant is rare in the general population with a frequency below the threshold expected for the associated phenotype(s). Given the available evidence, this variant is classified as Likely Pathogenic.

Labcorp Genetics (formerly Invitae), Labcorp
Classification: Likely pathogenic for Bloom syndrome. Last evaluated: 2021-10-03. Review status: criteria provided, single submitter. Criteria: Invitae Variant Classification Sherloc (09022015). Collection method: clinical testing. Allele origin: germline.
Comment: In summary, the currently available evidence indicates that the variant is pathogenic, but additional data are needed to prove that conclusively. Therefore, this variant has been classified as Likely Pathogenic. ClinVar contains an entry for this variant (Variation ID: 946395). This variant has not been reported in the literature in individuals affected with BLM-related conditions. The frequency data for this variant in the population databases is considered unreliable, as metrics indicate poor data quality at this position in the ExAC database. This variant results in the deletion of part of exon 15 (c.3013_3019+4del) of the BLM gene. It is expected to disrupt RNA splicing. Variants that disrupt the donor or acceptor splice site typically lead to a loss of protein function (PMID: 16199547), and loss-of-function variants in BLM are known to be pathogenic (PMID: 17407155).

Literature cited by the submitters: PubMed 16199547 (cited by Labcorp Genetics (formerly Invitae), Labcorp); PubMed 17407155 (cited by Labcorp Genetics (formerly Invitae), Labcorp).

NM_000057.4(BLM):c.3013_3019+4del

Gene: BLM (BLM RecQ like helicase; plus strand). Cytogenetic location: 15q26.1.
Variant type: Deletion.
Coding change: c.3013_3019+4del on transcript NM_000057.4 (MANE Select); coding-DNA position 3013 through 4 bases into the intron after coding-DNA position 3019, 11 bases deleted (ATAATGAGTAA).
Molecular consequence: splice donor variant.
Genome position (GRCh38, 1-based): chr15:90,790,838-90,790,848, ATAATGAGTAA deleted. VCF-style (leftmost placement, unchanged base first): chr15-90790837-TATAATGAGTAA-T. GRCh37 (hg19) VCF-style: chr15-91334067-TATAATGAGTAA-T.
Other names: c.3013_3019+4del (NM_001287246.2, NM_001287247.2); c.1888_1894+4del (NM_001287248.2).
Identifiers: ClinVar variation 946395 (VCV000946395.10), dbSNP rs765392662, ClinGen allele CA7738906.